The following is an entry in ClinVar:

ClinVar aggregate classification (germline): Likely pathogenic (1 of 4 stars; one submission).

Conditions:
MYH3-related disorder. Also called: MYH3-Related Disorders; MYH3-related condition. Identifiers: MedGen CN239329.

Allele frequency attached by ClinVar (database versions not stated): gnomAD exomes below 0.00001; TOPMed below 0.00001.
gnomAD v4.1: 1 of 1,613,912 alleles (0.000062%); highest among the groups gnomAD compares: South Asian, 0.0011%; no homozygotes.

Submission:

Women's Health and Genetics/Laboratory Corporation of America, LabCorp
Classification: Likely pathogenic for MYH3-related disorder. Last evaluated: 2024-01-22. Review status: criteria provided, single submitter. Criteria: LabCorp Variant Classification Summary - May 2015. Collection method: clinical testing. Allele origin: germline.
Comment: Variant summary: MYH3 c.1259A>G (p.Gln420Arg) results in a conservative amino acid change located in the Myosin head, motor domain (IPR001609) of the encoded protein sequence. Four of five in-silico tools predict a damaging effect of the variant on protein function. This variant also disrupts the second-last nucleotide in the exonic splice region of exon 13. Several computational tools predict a significant impact on normal splicing: One predict the variant abolishes the 5' canonical splicing donor site. Three predict the variant weakens the 5' canonical splicing donor site. At least one publication reports experimental evidence that this variant affects mRNA splicing by skipping exon 13 via a minigene assay (Kamien_2022). The variant was absent in 251428 control chromosomes. c.1259A>G has been reported at a compound heterozygous state with an apparently pathogenic splicing variant in at-lease one fetus affected with contractures, pterygia, and spondylocarpotarsal fusion syndrome 1B via WGS (Kamien_2022). The following publication has been ascertained in the context of this evaluation (PMID: 35484034). No submitters have cited clinical-significance assessments for this variant to ClinVar. Based on the evidence outlined above, the variant was classified as likely pathogenic.

Literature cited by the submitters: PubMed 35484034.

NM_002470.4(MYH3):c.1259A>G (p.Gln420Arg)

Gene: MYH3 (myosin heavy chain 3; minus strand). Cytogenetic location: 17p13.1.
Variant type: single nucleotide variant.
Coding change: c.1259A>G on transcript NM_002470.4 (MANE Select); coding-DNA position 1259, A replaced by G.
Protein change: p.Gln420Arg; replaces glutamine 420 with arginine.
Molecular consequence: missense variant.
Genome position (GRCh38, 1-based): chr17:10,644,585, T>C on the plus strand (A>G on the coding strand, the complement: MYH3 is on the minus strand). VCF-style: chr17-10644585-T-C. GRCh37 (hg19) VCF-style: chr17-10547902-T-C.
Other names: short protein forms Q420R.
Identifiers: ClinVar variation 3063618 (VCV003063618.1), dbSNP rs1277847755, ClinGen allele CA398175270.